The following is an entry in ClinVar:

NC_000008.10:g.(?_48685671)_(48730123_48731962)dup

Gene: PRKDC (protein kinase, DNA-activated, catalytic subunit; minus strand). Cytogenetic location: 8q11.21.
Variant type: Duplication.
Identifiers: ClinVar variation 4887590 (VCV004887590.1).

ClinVar aggregate classification (germline): Uncertain significance (1 of 4 stars; one submission).

Submission:

Women's Health and Genetics/Laboratory Corporation of America, LabCorp
Classification: Uncertain significance. Last evaluated: 2026-06-22. Review status: criteria provided, single submitter. Criteria: LabCorp Variant Classification Summary - May 2015. Collection method: clinical testing. Allele origin: germline.
Comment: Variant summary: The variant involves the duplication of exons 69-87 in the PRKDC gene. A presumed nomenclature of c.(9442+1_9443-1)_(*1063_?)dup has been designated for the purposes of this classification. The exact breakpoint at the 3' end of this variant is unknown, therefore this duplication may extend downstream of the annotated region of the gene. As it duplicates the termination codon, its effect on the encoded protein is unknown. The variant was absent in 21694 control chromosomes. The available data on variant occurrences in the general population are insufficient to allow any conclusion about variant significance. To our knowledge, no occurrence of c.(9442+1_9443-1)_(*1063_?)dup in individuals affected with PRKDC-related conditions and no experimental evidence demonstrating its impact on protein function have been reported. No submitters have cited clinical-significance assessments for this variant to ClinVar. Based on the evidence outlined above, the variant was classified as uncertain significance.